The following is an entry in ClinVar:

ClinVar aggregate classification (germline): Uncertain significance. Review status: criteria provided, multiple submitters, no conflicts (2 of 4 stars). 2 submissions from 2 submitters: Uncertain significance (2). Last evaluated 2022-02-02.

Allele frequency attached by ClinVar (database versions not stated): TOPMed below 0.00001; gnomAD 0.00001; 1000 Genomes Project 0.00020; 1000 Genomes Project 30x 0.00031.
gnomAD v4.1: 5 of 1,614,156 alleles (0.00031%); highest among the groups gnomAD compares: Admixed American, 0.0067%; no homozygotes.

Submissions (2):

Labcorp Genetics (formerly Invitae), Labcorp
Classification: Uncertain significance. Last evaluated: 2022-02-02. Review status: criteria provided, single submitter. Criteria: Invitae Variant Classification Sherloc (09022015). Collection method: clinical testing. Allele origin: germline.
Comment: This sequence change replaces alanine, which is neutral and non-polar, with glycine, which is neutral and non-polar, at codon 447 of the GDF5 protein (p.Ala447Gly). This variant is present in population databases (rs548613061, gnomAD 0.006%). This variant has not been reported in the literature in individuals affected with GDF5-related conditions. Algorithms developed to predict the effect of missense changes on protein structure and function (SIFT, PolyPhen-2, Align-GVGD) all suggest that this variant is likely to be disruptive. In summary, the available evidence is currently insufficient to determine the role of this variant in disease. Therefore, it has been classified as a Variant of Uncertain Significance.

Blueprint Genetics
Classification: Uncertain significance. Last evaluated: 2020-11-23. Review status: criteria provided, single submitter. Criteria: ACMG Guidelines, 2015. Collection method: clinical testing. Allele origin: germline.

NM_000557.5(GDF5):c.1340C>G (p.Ala447Gly)

Genes: GDF5 (growth differentiation factor 5; minus strand), GDF5-AS1 (GDF5 antisense RNA 1; plus strand). Cytogenetic location: 20q11.22.
Variant type: single nucleotide variant.
Coding change: c.1340C>G on transcript NM_000557.5 (MANE Select); coding-DNA position 1340, C replaced by G.
Protein change: p.Ala447Gly; replaces alanine 447 with glycine.
Molecular consequence: missense variant. On other transcripts: non-coding transcript variant (1).
Genome position (GRCh38, 1-based): chr20:35,434,075, G>C on the plus strand (C>G on the coding strand, the complement: GDF5 is on the minus strand). VCF-style: chr20-35434075-G-C. GRCh37 (hg19) VCF-style: chr20-34021873-G-C.
Other names: c.1340C>G, p.Ala447Gly (NM_001319138.2); short protein forms A447G.
Identifiers: ClinVar variation 1966468 (VCV001966468.3), dbSNP rs548613061, ClinGen allele CA314131440.